The following is an entry in ClinVar:

NM_001206744.2(TPO):c.1715_1716insAATG (p.Leu573fs)

Genes: LALTOP (lung cancer associated lncRNA targeting TOP2A; minus strand), TPO (thyroid peroxidase; plus strand). Cytogenetic location: 2p25.3.
Variant type: Insertion.
Coding change: c.1715_1716insAATG on transcript NM_001206744.2 (MANE Select); coding-DNA positions 1715 to 1716, AATG inserted.
Protein change: p.Leu573fs; shifts the reading frame from leucine 573.
Molecular consequence: frameshift variant. On other transcripts: intron variant (2).
Genome position: GRCh38 VCF-style: chr2-1487938-C-CAATG. GRCh37 (hg19) VCF-style: chr2-1491710-C-CAATG.
Other names: c.1715_1716insAATG, p.Leu573fs (NM_000547.6, NM_175721.3); c.1196_1197insAATG, p.Leu400fs (NM_175722.3); c.1597+3084_1597+3085insAATG (NM_175719.4, NM_001206745.2); short protein forms L400fs, L573fs.
Identifiers: ClinVar variation 2860043 (VCV002860043.3), dbSNP rs2546193734, ClinGen allele CA2739274120.

ClinVar aggregate classification (germline): Pathogenic (1 of 4 stars; one submission).

Submission:

Labcorp Genetics (formerly Invitae), Labcorp
Classification: Pathogenic. Last evaluated: 2023-04-28. Review status: criteria provided, single submitter. Criteria: Invitae Variant Classification Sherloc (09022015). Collection method: clinical testing. Allele origin: germline.
Comment: This sequence change creates a premature translational stop signal (p.Leu573Metfs*22) in the TPO gene. It is expected to result in an absent or disrupted protein product. Loss-of-function variants in TPO are known to be pathogenic (PMID: 11061528, 23236987, 25564141). This variant is not present in population databases (gnomAD no frequency). This variant has not been reported in the literature in individuals affected with TPO-related conditions. Algorithms developed to predict the effect of sequence changes on RNA splicing suggest that this variant may disrupt the consensus splice site. For these reasons, this variant has been classified as Pathogenic.

Literature cited by the submitters: PubMed 11061528; PubMed 23236987; PubMed 25564141.